The following is an entry in ClinVar:

NM_000266.4(NDP):c.44T>G (p.Leu15Arg)

Genes: NDP (norrin cystine knot growth factor NDP; minus strand), NDP-AS1 (NDP antisense RNA 1; plus strand). Cytogenetic location: Xp11.3.
Variant type: single nucleotide variant.
Coding change: c.44T>G on transcript NM_000266.4 (MANE Select); coding-DNA position 44, T replaced by G.
Protein change: p.Leu15Arg; replaces leucine 15 with arginine.
Molecular consequence: missense variant.
Genome position (GRCh38, 1-based): chrX:43,958,602, A>C on the plus strand (T>G on the coding strand, the complement: NDP is on the minus strand). VCF-style: chrX-43958602-A-C. GRCh37 (hg19) VCF-style: chrX-43817848-A-C.
Other names: short protein forms L15R.
Identifiers: ClinVar variation 3643506 (VCV003643506.2).
Genomic context (GRCh38, chrX:43,958,602, plus strand): 5'-TCCGAGTCCATTATGAATGAGCTGTCCGTTTTACTGTCTGTATCTCCCATTATCACCAGC[A>C]GGGAGAGCATAGAAAAGGATGCAGCTAGTACATGTTTTCTCATTGTTGTAAGGAAAAACT-3'
Protein context (NP_000257.1, residues 5-25): VLAASFSMLS[Leu15Arg]LVIMGDTDSK

ClinVar aggregate classification (germline): Uncertain significance (1 of 4 stars; one submission).

Submission:

Labcorp Genetics (formerly Invitae), Labcorp
Classification: Uncertain significance. Last evaluated: 2024-02-27. Review status: criteria provided, single submitter. Criteria: Invitae Variant Classification Sherloc (09022015). Collection method: clinical testing. Allele origin: germline.
Comment: This sequence change replaces leucine, which is neutral and non-polar, with arginine, which is basic and polar, at codon 15 of the NDP protein (p.Leu15Arg). This variant is not present in population databases (gnomAD no frequency). This variant has not been reported in the literature in individuals affected with NDP-related conditions. Advanced modeling of protein sequence and biophysical properties (such as structural, functional, and spatial information, amino acid conservation, physicochemical variation, residue mobility, and thermodynamic stability) has been performed at Invitae for this missense variant, however the output from this modeling did not meet the statistical confidence thresholds required to predict the impact of this variant on NDP protein function. In summary, the available evidence is currently insufficient to determine the role of this variant in disease. Therefore, it has been classified as a Variant of Uncertain Significance.